The following is an entry in ClinVar:

ClinVar aggregate classification (germline): Pathogenic (1 of 4 stars; one submission).

Conditions:
Primary ciliary dyskinesia 3. Identifiers: Orphanet 244, MedGen C1837618, MONDO:0012085, OMIM 608644.

Submission:

Myriad Genetics, Inc.
Classification: Pathogenic for Primary ciliary dyskinesia 3. Last evaluated: 2024-05-14. Review status: criteria provided, single submitter. Criteria: Myriad Autosomal Dominant, Autosomal Recessive and X-Linked Classification Criteria (2023). Collection method: clinical testing. Allele origin: unknown.
Comment: NM_001369.2(DNAH5):c.5289_5296dup8(S1766Cfs*41) is expected to be pathogenic in the context of primary ciliary dyskinesia, DNAH5-related. This variant is predicted to lead to an abnormal or absent protein product due to the creation of a premature termination codon in DNAH5, a gene where loss-of-function variants are known to be pathogenic. Please note: this variant was assessed in the context of healthy population screening.

NM_001369.3(DNAH5):c.5289_5296dup (p.Ser1766fs)

Gene: DNAH5 (dynein axonemal heavy chain 5; minus strand). Cytogenetic location: 5p15.2.
Variant type: Duplication.
Coding change: c.5289_5296dup on transcript NM_001369.3 (MANE Select); coding-DNA positions 5289 to 5296, 8 bases duplicated (GTCAATTT; older notation c.5289_5296dupGTCAATTT).
Protein change: p.Ser1766fs; shifts the reading frame from serine 1766.
Molecular consequence: frameshift variant.
Genome position (GRCh38, 1-based): chr5:13,841,880-13,841,887, AAATTGAC duplicated on the plus strand (GTCAATTT on the coding strand, the reverse complement: DNAH5 is on the minus strand); duplicating any 8 consecutive bases within chr5:13,841,880-13,841,888 gives the same sequence; the c. name uses the placement nearest the transcript's 3' end. VCF-style (leftmost placement, unchanged base first): chr5-13841879-G-GAAATTGAC. GRCh37 (hg19) VCF-style: chr5-13841988-G-GAAATTGAC.
Other names: short protein forms S1766fs.
Identifiers: ClinVar variation 5010642 (VCV005010642.1).